The following is an entry in ClinVar:

NM_000287.4(PEX6):c.517A>G (p.Ser173Gly)

Gene: PEX6 (peroxisomal biogenesis factor 6; minus strand). Cytogenetic location: 6p21.1.
Variant type: single nucleotide variant.
Coding change: c.517A>G on transcript NM_000287.4 (MANE Select); coding-DNA position 517, A replaced by G.
Protein change: p.Ser173Gly; replaces serine 173 with glycine.
Molecular consequence: missense variant. On other transcripts: non-coding transcript variant (1).
Genome position (GRCh38, 1-based): chr6:42,978,634, T>C on the plus strand (A>G on the coding strand, the complement: PEX6 is on the minus strand). VCF-style: chr6-42978634-T-C. GRCh37 (hg19) VCF-style: chr6-42946372-T-C.
Other names: c.517A>G, p.Ser173Gly (NM_001316313.2); short protein forms S173G.
Identifiers: ClinVar variation 2133613 (VCV002133613.4), dbSNP rs1770416259, ClinGen allele CA364164600.

ClinVar aggregate classification (germline): Uncertain significance (1 of 4 stars; one submission).

Conditions:
Peroxisome biogenesis disorder. Identifiers: Orphanet 79189, MedGen C1832200, MONDO:0019234. Disease mechanism: loss of function.

Allele frequency attached by ClinVar (database versions not stated): gnomAD exomes below 0.00001; TOPMed below 0.00001.

Submission:

Labcorp Genetics (formerly Invitae), Labcorp
Classification: Uncertain significance for Peroxisome biogenesis disorder. Last evaluated: 2022-08-08. Review status: criteria provided, single submitter. Criteria: Invitae Variant Classification Sherloc (09022015). Collection method: clinical testing. Allele origin: germline.
Comment: This sequence change replaces serine, which is neutral and polar, with glycine, which is neutral and non-polar, at codon 173 of the PEX6 protein (p.Ser173Gly). This variant is not present in population databases (gnomAD no frequency). This variant has not been reported in the literature in individuals affected with PEX6-related conditions. Algorithms developed to predict the effect of missense changes on protein structure and function output the following: SIFT: "Tolerated"; PolyPhen-2: "Benign"; Align-GVGD: "Class C0". The glycine amino acid residue is found in multiple mammalian species, which suggests that this missense change does not adversely affect protein function. In summary, the available evidence is currently insufficient to determine the role of this variant in disease. Therefore, it has been classified as a Variant of Uncertain Significance.